The following is an entry in ClinVar:

NM_000488.4(SERPINC1):c.762G>A (p.Lys254=)

Gene: SERPINC1 (serpin family C member 1; minus strand). Cytogenetic location: 1q25.1.
Variant type: single nucleotide variant.
Coding change: c.762G>A on transcript NM_000488.4 (MANE Select); coding-DNA position 762, G replaced by A.
Protein change: p.Lys254=; no amino-acid change (lysine 254 retained).
Molecular consequence: synonymous variant. On other transcripts: intron variant (1).
Genome position (GRCh38, 1-based): chr1:173,910,754, C>T on the plus strand (G>A on the coding strand, the complement: SERPINC1 is on the minus strand). VCF-style: chr1-173910754-C-T. GRCh37 (hg19) VCF-style: chr1-173879892-C-T.
Other names: p.Lys254=; c.618G>A, p.Lys206= (NM_001365052.2); c.762G>A, p.Lys254= (NM_001386302.1, NM_001386305.1); c.843G>A, p.Lys281= (NM_001386303.1); c.546G>A, p.Lys182= (NM_001386306.1); c.741+21G>A (NM_001386304.1).
Identifiers: ClinVar variation 2682678 (VCV002682678.1), dbSNP rs2526576285, ClinGen allele CA421822735.

ClinVar aggregate classification (germline): Uncertain significance (1 of 4 stars; one submission).

Submission:

Mayo Clinic Laboratories, Mayo Clinic
Classification: Uncertain significance. Last evaluated: 2022-02-11. Review status: criteria provided, single submitter. Criteria: ACMG Guidelines, 2015. Collection method: clinical testing. Allele origin: germline. Observed: 1 variant allele.
Comment: PP3, PM1, PM2